The following is an entry in ClinVar:

NM_000829.4(GRIA4):c.356C>T (p.Thr119Ile)

Gene: GRIA4 (glutamate ionotropic receptor AMPA type subunit 4; plus strand). Cytogenetic location: 11q22.3.
Variant type: single nucleotide variant.
Coding change: c.356C>T on transcript NM_000829.4 (MANE Select); coding-DNA position 356, C replaced by T.
Protein change: p.Thr119Ile; replaces threonine 119 with isoleucine.
Molecular consequence: missense variant. On other transcripts: non-coding transcript variant (1).
Genome position (GRCh38, 1-based): chr11:105,753,089, C>T. VCF-style: chr11-105753089-C-T. GRCh37 (hg19) VCF-style: chr11-105623815-C-T.
Other names: c.356C>T, p.Thr119Ile (NM_001077243.3, NM_001077244.2, NM_001112812.2 and 20 more transcripts); short protein forms T119I.
Identifiers: ClinVar variation 4975203 (VCV004975203.1).
Genomic context (GRCh38, chr11:105,753,089, plus strand): 5'-ATAAGAGGTCGGTACATACCTTGACCTCATTCTGCAGCGCCTTACATATCTCCCTCATCA[C>T]ACCAAGTTTCCCTACTGAGGGGGAGAGCCAGTTTGTGCTGCAACTAAGACCTTCGTTACG-3'
Protein context (NP_000820.4, residues 109-129): FCSALHISLI[Thr119Ile]PSFPTEGESQ

ClinVar aggregate classification (germline): Uncertain significance (1 of 4 stars; one submission).

gnomAD v4.1: 1 of 1,613,848 alleles (0.000062%); highest among the groups gnomAD compares: Non-Finnish European, 0.000085%; no homozygotes.

Submission:

GeneDx
Classification: Uncertain significance. Last evaluated: 2026-03-20. Review status: criteria provided, single submitter. Criteria: GeneDx Variant Classification Process June 2021. Collection method: clinical testing. Allele origin: germline.
Comment: Not observed at significant frequency in large population cohorts (gnomAD); In silico analysis supports that this missense variant has a deleterious effect on protein structure/function; Has not been previously published as pathogenic or benign to our knowledge